The following is an entry in ClinVar:

ClinVar aggregate classification (germline): Conflicting classifications of pathogenicity. Review status: criteria provided, conflicting classifications (1 of 4 stars). 4 submissions from 4 submitters: Uncertain significance (2); Likely benign (2). Last evaluated 2025-09-02.

Conditions:
Hereditary cancer-predisposing syndrome. Also called: Neoplastic Syndromes, Hereditary; Hereditary neoplastic syndrome; Tumor predisposition; Hereditary Cancer Syndrome. Identifiers: Orphanet 140162, MedGen C0027672, MeSH D009386, MONDO:0015356.
Gorlin syndrome. Also called: Nevoid Basal Cell Carcinoma Syndrome; Basal cell nevus syndrome. Identifiers: Orphanet 377, MedGen C0004779, MONDO:0007187.

Allele frequency attached by ClinVar (database versions not stated): gnomAD 0.00003.
gnomAD v4.1: 30 of 1,535,180 alleles (0.002%); highest among the groups gnomAD compares: Non-Finnish European, 0.0023%; no homozygotes.

Submissions (4):

Labcorp Genetics (formerly Invitae), Labcorp
Classification: Likely benign for Gorlin syndrome. Last evaluated: 2025-09-02. Review status: criteria provided, single submitter. Criteria: Invitae Variant Classification Sherloc (09022015). Collection method: clinical testing. Allele origin: germline.

Ambry Genetics
Classification: Likely benign for Hereditary cancer-predisposing syndrome. Last evaluated: 2024-05-16. Review status: criteria provided, single submitter. Criteria: Ambry Variant Classification Scheme 2023. Collection method: clinical testing. Allele origin: germline.

Sema4
Classification: Uncertain significance for Hereditary cancer-predisposing syndrome. Last evaluated: 2021-12-29. Review status: criteria provided, single submitter. Criteria: Sema4 Curation Guidelines. Collection method: curation. Allele origin: germline.
Comment: To the best of our knowledge, the PTCH1 c.74G>A (p.G25E) variant has not been reported in individuals with PTCH1-related disease. This variant was observed in 2/169588 chromosomes across all populations, in the large and broad cohorts of the Genome Aggregation Database (PMID: 32461654). This variant has been reported in ClinVar (Variation ID: 665398). Functional studies have not been performed, and in silico predictions of the variant's effect on protein function are inconclusive. The evidence is insufficient to meet ACMG/AMP criteria for classifying the variant as benign or pathogenic. Thus, the clinical significance of this variant is currently uncertain.

GeneDx
Classification: Uncertain significance. Last evaluated: 2019-07-25. Review status: criteria provided, single submitter. Criteria: GeneDx Variant Classification Process June 2021. Collection method: clinical testing. Allele origin: germline. Affected: yes.
Comment: In silico analysis, which includes protein predictors and evolutionary conservation, supports that this variant does not alter protein structure/function; Has not been previously published as pathogenic or benign to our knowledge

NM_000264.5(PTCH1):c.74G>A (p.Gly25Glu)

Genes: PTCH1 (patched 1; minus strand), LOC130002133 (ATAC-STARR-seq lymphoblastoid silent region 20071; plus strand). Cytogenetic location: 9q22.32.
Variant type: single nucleotide variant.
Coding change: c.74G>A on transcript NM_000264.5 (MANE Select); coding-DNA position 74, G replaced by A.
Protein change: p.Gly25Glu; replaces glycine 25 with glutamic acid.
Molecular consequence: missense variant. On other transcripts: non-coding transcript variant (1), intron variant (3).
Genome position (GRCh38, 1-based): chr9:95,508,288, C>T on the plus strand (G>A on the coding strand, the complement: PTCH1 is on the minus strand). VCF-style: chr9-95508288-C-T. GRCh37 (hg19) VCF-style: chr9-98270570-C-T.
Other names: c.74G>A, p.Gly25Glu (NM_001354918.2); c.199-1689G>A (NM_001083603.3); c.4-1689G>A (NM_001083602.3, NM_001354919.2); short protein forms G25E.
Identifiers: ClinVar variation 665398 (VCV000665398.14), dbSNP rs774712511, ClinGen allele CA5139058.